The following is an entry in ClinVar:

ClinVar aggregate classification (germline): Uncertain significance (1 of 4 stars; one submission).

Conditions:
Retinal disorder. Also called: Retinopathies; Retinal Diseases; Retinal disorders; Retinopathy. Identifiers: MedGen C0035309, MONDO:0005283, HP:0000488.

Submission:

Genetics Laboratory, Great Ormond Street Hospital NHS Foundation Trust, North Thames Genomic Laboratory Hub
Classification: Uncertain significance for Retinal disorders. Last evaluated: 2025-10-31. Review status: criteria provided, single submitter. Criteria: ACGS Best Practice Guidelines for Variant Classification in Rare Disease 2024 v1.2. Collection method: clinical testing. Allele origin: germline. Affected: yes.
Comment: PM2_moderate, PM4_supporting, PM3_supporting

NM_206933.4(USH2A):c.12142_12144del (p.His4048del)

Gene: USH2A (usherin; minus strand). Cytogenetic location: 1q41.
Variant type: Deletion.
Coding change: c.12142_12144del on transcript NM_206933.4 (MANE Select); coding-DNA positions 12142 to 12144, 3 bases deleted (CAT; older notation c.12142_12144delCAT).
Protein change: p.His4048del; deletes histidine 4048.
Molecular consequence: inframe deletion.
Genome position (GRCh38, 1-based): chr1:215,680,299-215,680,301, ATG deleted on the plus strand (CAT on the coding strand, the reverse complement: USH2A is on the minus strand). VCF-style (leftmost placement, unchanged base first): chr1-215680298-CATG-C. GRCh37 (hg19) VCF-style: chr1-215853640-CATG-C.
Other names: short protein forms H4048del.
Identifiers: ClinVar variation 4539830 (VCV004539830.1).